The following is an entry in ClinVar:

NM_018075.5(ANO10):c.884A>G (p.Asn295Ser)

Gene: ANO10 (anoctamin 10; minus strand). Cytogenetic location: 3p22.1.
Variant type: single nucleotide variant.
Coding change: c.884A>G on transcript NM_018075.5 (MANE Select); coding-DNA position 884, A replaced by G.
Protein change: p.Asn295Ser; replaces asparagine 295 with serine.
Molecular consequence: missense variant. On other transcripts: intron variant (1).
Genome position (GRCh38, 1-based): chr3:43,576,970, T>C on the plus strand (A>G on the coding strand, the complement: ANO10 is on the minus strand). VCF-style: chr3-43576970-T-C. GRCh37 (hg19) VCF-style: chr3-43618462-T-C.
Other names: c.884A>G, p.Asn295Ser (NM_001204831.3, NM_001346463.2, NM_001346464.2 and 3 more transcripts); c.686A>G, p.Asn229Ser (NM_001204832.3, NM_001346466.2, NM_001346469.2); c.551A>G, p.Asn184Ser (NM_001204833.3); c.593-2106A>G (NM_001204834.3); short protein forms N184S, N229S, N295S.
Identifiers: ClinVar variation 1086134 (VCV001086134.29), dbSNP rs144349000, ClinGen allele CA2340925.
Genomic context (GRCh38, chr3:43,576,970, plus strand): 5'-TAAATGCGCAACTGTCTCTTGTAGCTGGGGTACAGAGGCTCCTCCTTCCCAGTGATGGAA[T>C]TGATACCCAAGACACCATGAAATCCTGGCCGGGGCTCCTCAAACTTTCTCTTCATGAGCA-3'
Protein context (NP_060545.3, residues 285-305): RPGFHGVLGI[Asn295Ser]SITGKEEPLY

ClinVar aggregate classification (germline): Likely benign. Review status: criteria provided, multiple submitters, no conflicts (2 of 4 stars). 2 submissions from 2 submitters: Likely benign (2). Last evaluated 2026-01-25.

Allele frequency attached by ClinVar (database versions not stated): gnomAD 0.00014 and 0.00016; ESP Exome Variant Server 0.00015; TOPMed 0.00015.
gnomAD v4.1: 228 of 1,613,830 alleles (0.014%); highest among the groups gnomAD compares: Admixed American, 0.025%; 2 homozygotes.

Submissions (2):

Labcorp Genetics (formerly Invitae), Labcorp
Classification: Likely benign. Last evaluated: 2026-01-25. Review status: criteria provided, single submitter. Criteria: Invitae Variant Classification Sherloc (09022015). Collection method: clinical testing. Allele origin: germline.

CeGaT Center for Human Genetics Tuebingen
Classification: Likely benign. Last evaluated: 2024-02-01. Review status: criteria provided, single submitter. Criteria: CeGaT Center For Human Genetics Tuebingen Variant Classification Criteria Version 2. Collection method: clinical testing. Allele origin: germline. Affected: yes. Observed: 1 variant allele.
Comment: ANO10: BP4